The following is an entry in ClinVar:

ClinVar aggregate classification (germline): Uncertain significance (1 of 4 stars; one submission).

Allele frequency attached by ClinVar (database versions not stated): 1000 Genomes Project 30x 0.00016; 1000 Genomes Project 0.00020.

Submission:

Labcorp Genetics (formerly Invitae), Labcorp
Classification: Uncertain significance. Last evaluated: 2022-09-06. Review status: criteria provided, single submitter. Criteria: Invitae Variant Classification Sherloc (09022015). Collection method: clinical testing. Allele origin: germline.
Comment: This sequence change replaces proline, which is neutral and non-polar, with glutamine, which is neutral and polar, at codon 604 of the PDZD7 protein (p.Pro604Gln). This variant is present in population databases (rs537508786, gnomAD 0.01%). This variant has not been reported in the literature in individuals affected with PDZD7-related conditions. ClinVar contains an entry for this variant (Variation ID: 1497875). Algorithms developed to predict the effect of missense changes on protein structure and function are either unavailable or do not agree on the potential impact of this missense change (SIFT: "Deleterious"; PolyPhen-2: "Not Available"; Align-GVGD: "Class C0"). In summary, the available evidence is currently insufficient to determine the role of this variant in disease. Therefore, it has been classified as a Variant of Uncertain Significance.

NM_001195263.2(PDZD7):c.1811C>A (p.Pro604Gln)

Gene: PDZD7 (PDZ domain containing 7; minus strand). Cytogenetic location: 10q24.31.
Variant type: single nucleotide variant.
Coding change: c.1811C>A on transcript NM_001195263.2 (MANE Select); coding-DNA position 1811, C replaced by A.
Protein change: p.Pro604Gln; replaces proline 604 with glutamine.
Molecular consequence: missense variant.
Genome position (GRCh38, 1-based): chr10:101,012,197, G>T on the plus strand (C>A on the coding strand, the complement: PDZD7 is on the minus strand). VCF-style: chr10-101012197-G-T. GRCh37 (hg19) VCF-style: chr10-102771954-G-T.
Other names: short protein forms P604Q.
Identifiers: ClinVar variation 1497875 (VCV001497875.5), dbSNP rs537508786, ClinGen allele CA212979911.